The following is an entry in ClinVar:

ClinVar aggregate classification (germline): Uncertain significance (1 of 4 stars; one submission).

Conditions:
RASopathy. Also called: rasopathies; Noonan spectrum disorder. Identifiers: Orphanet 536391, MedGen C5555857, MONDO:0021060.

Submission:

Labcorp Genetics (formerly Invitae), Labcorp
Classification: Uncertain significance for RASopathy. Last evaluated: 2025-03-16. Review status: criteria provided, single submitter. Criteria: Invitae Variant Classification Sherloc (09022015). Collection method: clinical testing. Allele origin: germline.
Comment: This sequence change falls in intron 4 of the CBL gene. It does not directly change the encoded amino acid sequence of the CBL protein. This variant is not present in population databases (gnomAD no frequency). This variant has not been reported in the literature in individuals affected with CBL-related conditions. Algorithms developed to predict the effect of sequence changes on RNA splicing suggest that this variant may disrupt the consensus splice site. In summary, the available evidence is currently insufficient to determine the role of this variant in disease. Therefore, it has been classified as a Variant of Uncertain Significance.

NM_005188.4(CBL):c.748-9T>G

Gene: CBL (Cbl proto-oncogene; plus strand). Cytogenetic location: 11q23.3.
Variant type: single nucleotide variant.
Coding change: c.748-9T>G on transcript NM_005188.4 (MANE Select); 9 bases into the intron before coding-DNA position 748, T replaced by G.
Molecular consequence: intron variant.
Genome position (GRCh38, 1-based): chr11:119,274,823, T>G. VCF-style: chr11-119274823-T-G. GRCh37 (hg19) VCF-style: chr11-119145533-T-G.
Identifiers: ClinVar variation 4715231 (VCV004715231.1).